The following is an entry in ClinVar:

NM_138694.4(PKHD1):c.5281dup (p.Ser1761fs)

Gene: PKHD1 (PKHD1 ciliary IPT domain containing fibrocystin/polyductin; minus strand). Cytogenetic location: 6p12.2.
Variant type: Duplication.
Coding change: c.5281dup on transcript NM_138694.4 (MANE Select); coding-DNA position 5281, one base duplicated (T; older notation c.5281dupT).
Protein change: p.Ser1761fs; shifts the reading frame from serine 1761.
Molecular consequence: frameshift variant.
Genome position (GRCh38, 1-based): chr6:52,022,900, A duplicated on the plus strand (T on the coding strand, the reverse complement: PKHD1 is on the minus strand); the first of 4 consecutive A bases (chr6:52,022,900-52,022,903); duplicating any one gives the same sequence. VCF-style (leftmost placement, unchanged base first): chr6-52022899-G-GA. GRCh37 (hg19) VCF-style: chr6-51887697-G-GA.
Other names: c.5281dup, p.Ser1761fs (NM_170724.3); short protein forms S1761fs.
Identifiers: ClinVar variation 3641273 (VCV003641273.2).
Genomic context (GRCh38, chr6:52,022,899, plus strand): 5'-GTAGCATTAGCCAGGACTCGGCAGGGAGCACCACACACAGCAGCTGAGACATTCCCTGGA[G>GA]AAAATCCCGCTCCAAACACATGCACCAGCCTTCCACCCAGGCAGCCTTTAAAGACAAAGG-3'

ClinVar aggregate classification (germline): Pathogenic (1 of 4 stars; one submission).

Conditions:
Autosomal recessive polycystic kidney disease (ARPKD). Also called: AR polycystic kidney disease. Identifiers: Orphanet 731, Orphanet 8378, MedGen C0085548, MeSH D017044, MONDO:0009889.

Submission:

Labcorp Genetics (formerly Invitae), Labcorp
Classification: Pathogenic for Autosomal recessive polycystic kidney disease. Last evaluated: 2024-02-16. Review status: criteria provided, single submitter. Criteria: Invitae Variant Classification Sherloc (09022015). Collection method: clinical testing. Allele origin: germline.
Comment: This sequence change creates a premature translational stop signal (p.Ser1761Phefs*19) in the PKHD1 gene. It is expected to result in an absent or disrupted protein product. Loss-of-function variants in PKHD1 are known to be pathogenic (PMID: 19940839). This variant is not present in population databases (gnomAD no frequency). This variant has not been reported in the literature in individuals affected with PKHD1-related conditions. For these reasons, this variant has been classified as Pathogenic.

Literature cited by the submitters: PubMed 19940839.